The following is an entry in ClinVar:

NM_000501.4(ELN):c.1683ACTTGGAGTTGGTGCTGGTGTTCCTGG[3] (p.562LGVGAGVPG[3])

Genes: ELN-AS1 (ELN antisense RNA 1; minus strand), ELN (elastin; plus strand). Cytogenetic location: 7q11.23.
Variant type: Microsatellite.
Coding change: c.1683ACTTGGAGTTGGTGCTGGTGTTCCTGG[3] on transcript NM_000501.4 (MANE Select); three copies in a row of the 27-base unit ACTTGGAGTTGGTGCTGGTGTTCCTGG starting at c.1683; the reference has two copies in a row; one copy, 27 bases duplicated.
Protein change: p.562LGVGAGVPG[3].
Molecular consequence: inframe insertion.
Genome position (GRCh38, 1-based): chr7:74,060,464-74,060,490, ACTTGGAGTTGGTGCTGGTGTTCCTGG duplicated; duplicating any 27 consecutive bases within chr7:74,060,432-74,060,490 gives the same sequence; the position shown is the placement nearest the transcript's 3' end. VCF-style (leftmost placement, unchanged base first): chr7-74060431-C-CCCTGGACTTGGAGTTGGTGCTGGTGTT. GRCh37 (hg19) VCF-style: chr7-73474761-C-CCCTGGACTTGGAGTTGGTGCTGGTGTT.
Other names: c.1596ACTTGGAGTTGGTGCTGGTGTTCCTGG[3], p.533LGVGAGVPG[3] (NM_001081752.3); c.1641ACTTGGAGTTGGTGCTGGTGTTCCTGG[3], p.548LGVGAGVPG[3] (NM_001081753.3); c.1698ACTTGGAGTTGGTGCTGGTGTTCCTGG[3], p.567LGVGAGVPG[3] (NM_001081754.3); c.1626ACTTGGAGTTGGTGCTGGTGTTCCTGG[3], p.543LGVGAGVPG[3] (NM_001081755.3); c.1683ACTTGGAGTTGGTGCTGGTGTTCCTGG[3], p.562LGVGAGVPG[3] (NM_001278912.2); c.1440ACTTGGAGTTGGTGCTGGTGTTCCTGG[3], p.481LGVGAGVPG[3] (NM_001278913.2); c.1611ACTTGGAGTTGGTGCTGGTGTTCCTGG[3], p.538LGVGAGVPG[3] (NM_001278914.2); c.1701ACTTGGAGTTGGTGCTGGTGTTCCTGG[3], p.568LGVGAGVPG[3] (NM_001278915.2); and 4 more.
Identifiers: ClinVar variation 1310675 (VCV001310675.5), dbSNP rs782739997, ClinGen allele CA575783976.

ClinVar aggregate classification (germline): Uncertain significance. Review status: criteria provided, multiple submitters, no conflicts (2 of 4 stars). 2 submissions from 2 submitters: Uncertain significance (2). Last evaluated 2025-11-30.

Conditions:
Supravalvar aortic stenosis (SVAS). Also called: Supravalvar aortic stenosis, Eisenberg type. Identifiers: Orphanet 3193, MedGen C0003499, MONDO:0008504, OMIM 185500, HP:0004381.

Submissions (2):

Labcorp Genetics (formerly Invitae), Labcorp
Classification: Uncertain significance for Supravalvar aortic stenosis. Last evaluated: 2025-11-30. Review status: criteria provided, single submitter. Criteria: Invitae Variant Classification Sherloc (09022015). Collection method: clinical testing. Allele origin: germline.
Comment: This variant, c.1797_1823dup, results in the insertion of 9 amino acid(s) of the ELN protein (p.Leu600_Gly608dup), but otherwise preserves the integrity of the reading frame. This variant is present in population databases (no rsID available, gnomAD 0.009%). This variant has not been reported in the literature in individuals affected with ELN-related conditions. Experimental studies and prediction algorithms are not available or were not evaluated, and the functional significance of this variant is currently unknown. In summary, the available evidence is currently insufficient to determine the role of this variant in disease. Therefore, it has been classified as a Variant of Uncertain Significance.

GeneDx
Classification: Uncertain significance. Last evaluated: 2019-11-25. Review status: criteria provided, single submitter. Criteria: GeneDx Variant Classification Process June 2021. Collection method: clinical testing. Allele origin: germline. Affected: yes.
Comment: Has not been previously published as pathogenic or benign to our knowledge; At the mRNA level, in-silico analysis, which includes splice predictors and evolutionary conservation, is inconclusive as to whether the variant alters gene splicing. In the absence of RNA/functional studies, the actual effect of this sequence change is unknown.; In-frame insertion of 9 amino acids in a non-repeat region; At the protein level, in silico analysis, which includes protein predictors and evolutionary conservation, supports that this variant does not alter protein structure/function